The following is an entry in ClinVar:

ClinVar aggregate classification (germline): Uncertain significance (1 of 4 stars; one submission).

Submission:

Labcorp Genetics (formerly Invitae), Labcorp
Classification: Uncertain significance. Last evaluated: 2023-09-27. Review status: criteria provided, single submitter. Criteria: Invitae Variant Classification Sherloc (09022015). Collection method: clinical testing. Allele origin: germline.
Comment: This sequence change replaces aspartic acid, which is acidic and polar, with valine, which is neutral and non-polar, at codon 458 of the CLPX protein (p.Asp458Val). This variant is not present in population databases (gnomAD no frequency). This variant has not been reported in the literature in individuals affected with CLPX-related conditions. An algorithm developed to predict the effect of missense changes on protein structure and function (PolyPhen-2) suggests that this variant is likely to be disruptive. In summary, the available evidence is currently insufficient to determine the role of this variant in disease. Therefore, it has been classified as a Variant of Uncertain Significance.

NM_006660.5(CLPX):c.1373A>T (p.Asp458Val)

Gene: CLPX (caseinolytic mitochondrial matrix peptidase chaperone subunit X; minus strand). Cytogenetic location: 15q22.31.
Variant type: single nucleotide variant.
Coding change: c.1373A>T on transcript NM_006660.5 (MANE Select); coding-DNA position 1373, A replaced by T.
Protein change: p.Asp458Val; replaces aspartic acid 458 with valine.
Molecular consequence: missense variant. On other transcripts: non-coding transcript variant (1).
Genome position (GRCh38, 1-based): chr15:65,155,020, T>A on the plus strand (A>T on the coding strand, the complement: CLPX is on the minus strand). VCF-style: chr15-65155020-T-A. GRCh37 (hg19) VCF-style: chr15-65447358-T-A.
Other names: short protein forms D458V.
Identifiers: ClinVar variation 2748279 (VCV002748279.3), dbSNP rs1032925425, ClinGen allele CA392868347.